The following is an entry in ClinVar:

ClinVar aggregate classification (germline): Uncertain significance (1 of 4 stars; one submission).

Conditions:
PLXNA3-related disorder. Also called: PLXNA3-related condition.

Submission:

PreventionGenetics, part of Exact Sciences
Classification: Uncertain significance for PLXNA3-related condition. Last evaluated: 2026-03-27. Review status: criteria provided, single submitter. Criteria: ACMG Guidelines, 2015. Collection method: clinical testing. Allele origin: germline.
Comment: The PLXNA3 c.1297C>T variant is predicted to result in the amino acid substitution p.Arg433Cys. This variant has been reported in an individual with an unspecified neurodevelopmental disorder (Supplementary Table S11, Stessman et al. 2017. PubMed ID: 28191889). This variant is reported in 0.010% of alleles in individuals of European (Non-Finnish) descent in gnomAD, including 5 hemizygotes. Although we suspect that this variant may be benign, at this time, the clinical significance of this variant is uncertain due to the absence of conclusive functional and genetic evidence.

NM_017514.5(PLXNA3):c.1297C>T (p.Arg433Cys)

Gene: PLXNA3 (plexin A3; plus strand). Cytogenetic location: Xq28.
Variant type: single nucleotide variant.
Coding change: c.1297C>T on transcript NM_017514.5 (MANE Select); coding-DNA position 1297, C replaced by T.
Protein change: p.Arg433Cys; replaces arginine 433 with cysteine.
Molecular consequence: missense variant.
Genome position (GRCh38, 1-based): chrX:154,462,290, C>T. VCF-style: chrX-154462290-C-T. GRCh37 (hg19) VCF-style: chrX-153690630-C-T.
Other names: short protein forms R433C.
Identifiers: ClinVar variation 3352370 (VCV003352370.2).
Genomic context (GRCh38, chrX:154,462,290, plus strand): 5'-GGCATGGCCAGCGTGGCCGCCTACACCTACCGCCAGCACTCTGTGGTCTTCATTGGCACG[C>T]GCAGCGGCAGCTTGAAGAAGGTGGCCCCCAGAGCCCTGGGCATGTGGGGGTGGGGACAGT-3'
Protein context (NP_059984.3, residues 423-443): RQHSVVFIGT[Arg433Cys]SGSLKKVRVD